The following is an entry in ClinVar:

ClinVar aggregate classification (germline): Uncertain significance. Review status: criteria provided, multiple submitters, no conflicts (2 of 4 stars). 2 submissions from 2 submitters: Uncertain significance (2). Last evaluated 2025-09-28.

Conditions:
Hereditary cancer-predisposing syndrome. Also called: Hereditary neoplastic syndrome; Hereditary Cancer Syndrome; Tumor predisposition; Neoplastic Syndromes, Hereditary. Identifiers: Orphanet 140162, MedGen C0027672, MeSH D009386, MONDO:0015356.
Birt-Hogg-Dube syndrome. Also called: Birt Hogg Dubé syndrome. Identifiers: Orphanet 122, MedGen C0346010, MONDO:0800444.

gnomAD v4.1: 7 of 1,614,198 alleles (0.00043%); highest among the groups gnomAD compares: East Asian, 0.016%; no homozygotes.

Submissions (2):

Labcorp Genetics (formerly Invitae), Labcorp
Classification: Uncertain significance for Birt-Hogg-Dube syndrome. Last evaluated: 2025-09-28. Review status: criteria provided, single submitter. Criteria: Invitae Variant Classification Sherloc (09022015). Collection method: clinical testing. Allele origin: germline.
Comment: This sequence change replaces tyrosine, which is neutral and polar, with phenylalanine, which is neutral and non-polar, at codon 561 of the FLCN protein (p.Tyr561Phe). This variant is not present in population databases (gnomAD no frequency). This variant has not been reported in the literature in individuals affected with FLCN-related conditions. ClinVar contains an entry for this variant (Variation ID: 965956). Invitae Evidence Modeling of protein sequence and biophysical properties (such as structural, functional, and spatial information, amino acid conservation, physicochemical variation, residue mobility, and thermodynamic stability) indicates that this missense variant is not expected to disrupt FLCN protein function with a negative predictive value of 80%. In summary, the available evidence is currently insufficient to determine the role of this variant in disease. Therefore, it has been classified as a Variant of Uncertain Significance.

Ambry Genetics
Classification: Uncertain significance for Hereditary cancer-predisposing syndrome. Last evaluated: 2024-10-12. Review status: criteria provided, single submitter. Criteria: Ambry Variant Classification Scheme 2023. Collection method: clinical testing. Allele origin: germline.
Comment: The p.Y561F variant (also known as c.1682A>T), located in coding exon 11 of the FLCN gene, results from an A to T substitution at nucleotide position 1682. The tyrosine at codon 561 is replaced by phenylalanine, an amino acid with highly similar properties. This amino acid position is conserved. In addition, the in silico prediction for this alteration is inconclusive. Based on the available evidence, the clinical significance of this variant remains unclear.

NM_144997.7(FLCN):c.1682A>T (p.Tyr561Phe)

Gene: FLCN (folliculin; minus strand). Cytogenetic location: 17p11.2.
Variant type: single nucleotide variant.
Coding change: c.1682A>T on transcript NM_144997.7 (MANE Select); coding-DNA position 1682, A replaced by T.
Protein change: p.Tyr561Phe; replaces tyrosine 561 with phenylalanine.
Molecular consequence: missense variant.
Genome position (GRCh38, 1-based): chr17:17,213,713, T>A on the plus strand (A>T on the coding strand, the complement: FLCN is on the minus strand). VCF-style: chr17-17213713-T-A. GRCh37 (hg19) VCF-style: chr17-17117027-T-A.
Other names: c.1736A>T, p.Tyr579Phe (NM_001353229.2); c.1682A>T, p.Tyr561Phe (NM_001353230.2, NM_001353231.2); short protein forms Y561F, Y579F.
Identifiers: ClinVar variation 965956 (VCV000965956.8), dbSNP rs2046817737, ClinGen allele CA398529861.
Genomic context (GRCh38, chr17:17,213,713, plus strand): 5'-GGTCAGTTCCGAGACTCCGAGGCTGTGGGGCTGCGGACCGTGGACATGAGGTGTGACTTG[T>A]AGGTCTTGCTCAGGCCAGTCATCCAGAACTTCAGCAGCTTGACATTGTCCTCCTCGGACG-3'
Protein context (NP_659434.2, residues 551-571): KFWMTGLSKT[Tyr561Phe]KSHLMSTVRS